The following is an entry in ClinVar:

NC_000016.10:g.(89773385_89775741)_(89779958_89782858)del

Gene: FANCA (FA complementation group A; minus strand). Cytogenetic location: 16q24.3.
Variant type: Deletion.
Identifiers: ClinVar variation 974013 (VCV000974013.1).

ClinVar aggregate classification (germline): Pathogenic (0 of 4 stars; one submission).

Conditions:
Fanconi anemia complementation group A (FANCA). Also called: Fanconi anemia, group A; FANCA-Related Fanconi Anemia. Identifiers: Orphanet 84, MedGen C3469521, MONDO:0009215, OMIM 227650.

Submission:

Leiden Open Variation Database
Classification: Pathogenic for Fanconi anemia complementation group A. Last evaluated: 2020-02-28. Review status: no assertion criteria provided. Collection method: curation. Allele origin: germline. Affected: yes.
Comment: Curator: Arleen D. Auerbach. Submitters to LOVD: Arleen D. Auerbach, Johan de Winter.

Literature cited by the submitters: PubMed 09721219; PubMed 10521298; PubMed 12955722; PubMed 17924555.